The following is an entry in ClinVar:

NM_004655.4(AXIN2):c.2405+6_2405+97del

Gene: AXIN2 (axin 2; minus strand). Cytogenetic location: 17q24.1.
Variant type: Deletion.
Coding change: c.2405+6_2405+97del on transcript NM_004655.4 (MANE Select); bases 6 to 97 of the intron after coding-DNA position 2405, 92 bases deleted.
Molecular consequence: intron variant.
Genome position (GRCh38, 1-based): chr17:65,533,815-65,533,906, 92 bases deleted. GRCh37 (hg19): chr17:63,529,934-63,530,025.
Other names: c.2210+6_2210+97del (NM_001363813.1).
Identifiers: ClinVar variation 2007417 (VCV002007417.4), dbSNP rs2509387350, ClinGen allele CA2580094669.

ClinVar aggregate classification (germline): Uncertain significance (1 of 4 stars; one submission).

Conditions:
Oligodontia-cancer predisposition syndrome. Also called: TOOTH AGENESIS-COLORECTAL CANCER SYNDROME. Identifiers: Orphanet 300576, MedGen C1837750, MONDO:0012075, OMIM 608615. Disease mechanism: loss of function.

Submission:

Labcorp Genetics (formerly Invitae), Labcorp
Classification: Uncertain significance for Oligodontia-cancer predisposition syndrome. Last evaluated: 2024-01-17. Review status: criteria provided, single submitter. Criteria: Invitae Variant Classification Sherloc (09022015). Collection method: clinical testing. Allele origin: germline.
Comment: This sequence change falls in intron 10 of the AXIN2 gene. It does not directly change the encoded amino acid sequence of the AXIN2 protein. It affects a nucleotide within the consensus splice site. This variant is not present in population databases (gnomAD no frequency). This variant has not been reported in the literature in individuals affected with AXIN2-related conditions. Variants that disrupt the consensus splice site are a relatively common cause of aberrant splicing (PMID: 17576681, 9536098). Algorithms developed to predict the effect of sequence changes on RNA splicing suggest that this variant is not likely to affect RNA splicing. In summary, the available evidence is currently insufficient to determine the role of this variant in disease. Therefore, it has been classified as a Variant of Uncertain Significance.

Literature cited by the submitters: PubMed 17576681; PubMed 9536098.